The following is an entry in ClinVar:

ClinVar aggregate classification (germline): Uncertain significance (1 of 4 stars; one submission).

Conditions:
Cardiovascular phenotype. Identifiers: MedGen CN230736.

Allele frequency attached by ClinVar (database versions not stated): gnomAD exomes below 0.00001; gnomAD 0.00001; 1000 Genomes Project 30x 0.00016; 1000 Genomes Project 0.00020.
gnomAD v4.1: 6 of 1,550,522 alleles (0.00039%); highest among the groups gnomAD compares: African/African-American, 0.0082%; no homozygotes.

Submission:

Ambry Genetics
Classification: Uncertain significance for Cardiovascular phenotype. Last evaluated: 2023-07-21. Review status: criteria provided, single submitter. Criteria: Ambry Variant Classification Scheme 2023. Collection method: clinical testing. Allele origin: germline.
Comment: The p.L2712R variant (also known as c.8135T>G), located in coding exon 2 of the ZNF469 gene, results from a T to G substitution at nucleotide position 8135. The leucine at codon 2712 is replaced by arginine, an amino acid with dissimilar properties. This amino acid position is conserved. In addition, this alteration is predicted to be tolerated by in silico analysis. Since supporting evidence is limited at this time, the clinical significance of this alteration remains unclear.

NM_001367624.2(ZNF469):c.8219T>G (p.Leu2740Arg)

Gene: ZNF469 (zinc finger protein 469; plus strand). Cytogenetic location: 16q24.2.
Variant type: single nucleotide variant.
Coding change: c.8219T>G on transcript NM_001367624.2 (MANE Select); coding-DNA position 8219, T replaced by G.
Protein change: p.Leu2740Arg; replaces leucine 2740 with arginine.
Molecular consequence: missense variant.
Genome position (GRCh38, 1-based): chr16:88,435,689, T>G. VCF-style: chr16-88435689-T-G. GRCh37 (hg19) VCF-style: chr16-88502097-T-G.
Other names: NM_001127464.1:c.8135T>G; short protein forms L2740R.
Identifiers: ClinVar variation 2624537 (VCV002624537.2), dbSNP rs531537482, ClinGen allele CA286383766.